The following is an entry in ClinVar:

ClinVar aggregate classification (germline): Uncertain significance. Review status: criteria provided, multiple submitters, no conflicts (2 of 4 stars). 4 submissions from 4 submitters: Uncertain significance (3). 1 of the submissions does not count toward it. Last evaluated 2025-09-26.

Conditions:
Inborn genetic diseases. Identifiers: MedGen C0950123, MeSH D030342.
BBS9-related disorder. Also called: BBS9-related condition.
Bardet-Biedl syndrome (BBS). Identifiers: Orphanet 110, MedGen C0752166, MONDO:0015229.

Allele frequency attached by ClinVar (database versions not stated): gnomAD 0.00003 and 0.00004; TOPMed 0.00004.
gnomAD v4.1: 48 of 1,612,998 alleles (0.003%); highest among the groups gnomAD compares: African/African-American, 0.004%; no homozygotes.

Submissions (4):

Ambry Genetics
Classification: Uncertain significance for Inborn genetic diseases. Last evaluated: 2025-09-26. Review status: criteria provided, single submitter. Criteria: Ambry Variant Classification Scheme 2023. Collection method: clinical testing. Allele origin: germline.

Labcorp Genetics (formerly Invitae), Labcorp
Classification: Uncertain significance for Bardet-Biedl syndrome. Last evaluated: 2022-06-19. Review status: criteria provided, single submitter. Criteria: Invitae Variant Classification Sherloc (09022015). Collection method: clinical testing. Allele origin: germline.
Comment: This sequence change replaces aspartic acid, which is acidic and polar, with glutamic acid, which is acidic and polar, at codon 850 of the BBS9 protein (p.Asp850Glu). This variant is present in population databases (rs768072201, gnomAD 0.008%). This variant has not been reported in the literature in individuals affected with BBS9-related conditions. ClinVar contains an entry for this variant (Variation ID: 1052836). Algorithms developed to predict the effect of missense changes on protein structure and function output the following: SIFT: "Deleterious"; PolyPhen-2: "Benign"; Align-GVGD: "Class C0". The glutamic acid amino acid residue is found in multiple mammalian species, which suggests that this missense change does not adversely affect protein function. In summary, the available evidence is currently insufficient to determine the role of this variant in disease. Therefore, it has been classified as a Variant of Uncertain Significance.

Breakthrough Genomics
Classification: Uncertain significance. Review status: criteria provided, single submitter. Criteria: ACMG Guidelines, 2015. Collection method: not provided. Allele origin: germline. Inheritance: Autosomal recessive inheritance. Affected: yes.

PreventionGenetics, part of Exact Sciences
Classification: Uncertain significance for BBS9-related condition. Last evaluated: 2024-02-09. Review status: no assertion criteria provided. Collection method: clinical testing. Allele origin: germline. Not counted in ClinVar's aggregate classification.
Comment: The BBS9 c.2550C>A variant is predicted to result in the amino acid substitution p.Asp850Glu. To our knowledge, this variant has not been reported in the literature. This variant is reported in 0.0097% of alleles in individuals of European (Non-Finnish) descent in gnomAD. At this time, the clinical significance of this variant is uncertain due to the absence of conclusive functional and genetic evidence.

NM_198428.3(BBS9):c.2550C>A (p.Asp850Glu)

Gene: BBS9 (Bardet-Biedl syndrome 9; plus strand). Cytogenetic location: 7p14.3.
Variant type: single nucleotide variant.
Coding change: c.2550C>A on transcript NM_198428.3 (MANE Select); coding-DNA position 2550, C replaced by A.
Protein change: p.Asp850Glu; replaces aspartic acid 850 with glutamic acid.
Molecular consequence: missense variant. On other transcripts: intron variant (1), non-coding transcript variant (3).
Genome position (GRCh38, 1-based): chr7:33,604,893, C>A. VCF-style: chr7-33604893-C-A. GRCh37 (hg19) VCF-style: chr7-33644505-C-A.
Other names: c.2522-30284C>A (NM_001362679.1); c.2550C>A (NM_198428.2); c.2445C>A, p.Asp815Glu (NM_001033604.2); c.2535C>A, p.Asp845Glu (NM_001033605.2); c.2550C>A, p.Asp850Glu (NM_001348036.1, NM_001348041.4, NM_001348043.3); c.2001C>A, p.Asp667Glu (NM_001348037.3); c.2277C>A, p.Asp759Glu (NM_001348038.3); c.2172C>A, p.Asp724Glu (NM_001348039.3); and 4 more; short protein forms D667E, D693E, D724E, D728E, D759E, D805E, D810E, D815E.
Identifiers: ClinVar variation 1052836 (VCV001052836.8), dbSNP rs768072201, ClinGen allele CA4214735.
Genomic context (GRCh38, chr7:33,604,893, plus strand): 5'-TGCTTAAAATATTGTTTGTATTTTTCAACTAGGTGGTTGTACTACAATCCCAGAGTCAGA[C>A]CTAGAAGAAAGATCAGTAGAACAAGACTCTACAGAACTGTTTACCAACCACAGACATCTC-3'
Protein context (NP_940820.1, residues 840-860): PGGCTTIPES[Asp850Glu]LEERSVEQDS